The following is an entry in ClinVar:

NC_000014.8:g.(?_74766231)_(74769615_?)del

Gene: ABCD4 (ATP binding cassette subfamily D member 4; minus strand). Cytogenetic location: 14q24.3.
Variant type: Deletion.
Identifiers: ClinVar variation 1453520 (VCV001453520.4).

ClinVar aggregate classification (germline): Pathogenic (1 of 4 stars; one submission).

Conditions:
Methylmalonic acidemia with homocystinuria, type cblJ (MAHCJ). Also called: METHYLMALONIC ACIDURIA AND HOMOCYSTINURIA, cblJ TYPE. Identifiers: Orphanet 369955, MedGen C3553915, MONDO:0013925, OMIM 614857.

Submission:

Labcorp Genetics (formerly Invitae), Labcorp
Classification: Pathogenic for Methylmalonic acidemia with homocystinuria, type cblJ. Last evaluated: 2022-11-06. Review status: criteria provided, single submitter. Criteria: Invitae Variant Classification Sherloc (09022015). Collection method: clinical testing. Allele origin: germline.
Comment: For these reasons, this variant has been classified as Pathogenic. This variant has not been reported in the literature in individuals affected with ABCD4-related conditions. This variant is a gross deletion of the genomic region encompassing exon(s) 1-3 of the ABCD4 gene, which includes the initiator codon. This deletion extends beyond the assayed region for this gene and therefore may encompass additional genes. It is expected to result in an absent or disrupted protein product. Loss-of-function variants in ABCD4 are known to be pathogenic (PMID: 22922874).

Literature cited by the submitters: PubMed 22922874.